The following is an entry in ClinVar:

NM_001378615.1(CC2D2A):c.298A>C (p.Met100Leu)

Genes: CC2D2A (coiled-coil and C2 domain containing 2A; plus strand), FBXL5 (F-box and leucine rich repeat protein 5; minus strand). Cytogenetic location: 4p15.32.
Variant type: single nucleotide variant.
Coding change: c.298A>C on transcript NM_001378615.1 (MANE Select); coding-DNA position 298, A replaced by C.
Protein change: p.Met100Leu; replaces methionine 100 with leucine.
Molecular consequence: missense variant.
Genome position (GRCh38, 1-based): chr4:15,502,479, A>C. VCF-style: chr4-15502479-A-C. GRCh37 (hg19) VCF-style: chr4-15504102-A-C.
Other names: c.298A>C, p.Met100Leu (NM_001080522.2); c.151A>C, p.Met51Leu (NM_001378617.1); short protein forms M100L, M51L.
Identifiers: ClinVar variation 1061071 (VCV001061071.14), dbSNP rs370014549, ClinGen allele CA2863363.

ClinVar aggregate classification (germline): Uncertain significance. Review status: criteria provided, multiple submitters, no conflicts (2 of 4 stars). 5 submissions from 5 submitters: Uncertain significance (5). Last evaluated 2024-05-23.

Conditions:
Inborn genetic diseases. Identifiers: MedGen C0950123, MeSH D030342.
COACH syndrome 2. Identifiers: MedGen C5436837, MONDO:0030859, OMIM 619111.
Meckel syndrome, type 6. Identifiers: Orphanet 564, MedGen C2676790, MONDO:0012848, OMIM 612284.
Joubert syndrome 9 (JBTS9). Identifiers: Orphanet 2318, MedGen C2676788, MONDO:0012849, OMIM 612285.
Retinitis pigmentosa 93. Identifiers: MedGen C5676970, MONDO:0030797, OMIM 619845.
Joubert syndrome. Also called: JOUBERT-BOLTSHAUSER SYNDROME; Familial aplasia of the vermis. Identifiers: Orphanet 475, MedGen C5979921, MONDO:0018772.
Meckel-Gruber syndrome. Also called: Dysencephalia splachnocystica; DYSENCEPHALIA SPLANCHNOCYSTICA; GRUBER SYNDROME. Identifiers: Orphanet 564, MedGen C0265215, MONDO:0018921.

Allele frequency attached by ClinVar (database versions not stated): gnomAD exomes 0.00002; gnomAD 0.00003 and 0.00004; ExAC 0.00004; TOPMed 0.00004; ESP Exome Variant Server 0.00008.

Submissions (5):

Fulgent Genetics
Classification: Uncertain significance for Meckel syndrome, type 6; Joubert syndrome 9; COACH syndrome 2; Retinitis pigmentosa 93. Last evaluated: 2024-05-23. Review status: criteria provided, single submitter. Criteria: ACMG Guidelines, 2015. Collection method: clinical testing. Allele origin: germline.

Blueprint Genetics
Classification: Uncertain significance. Last evaluated: 2023-06-02. Review status: criteria provided, single submitter. Criteria: ACMG Guidelines, 2015. Collection method: clinical testing. Allele origin: germline.

GeneDx
Classification: Uncertain significance. Last evaluated: 2023-05-09. Review status: criteria provided, single submitter. Criteria: GeneDx Variant Classification Process June 2021. Collection method: clinical testing. Allele origin: germline. Affected: yes.
Comment: Not observed at significant frequency in large population cohorts (gnomAD); In silico analysis supports that this missense variant does not alter protein structure/function; Has not been previously published as pathogenic or benign to our knowledge

Ambry Genetics
Classification: Uncertain significance for Inborn genetic diseases. Last evaluated: 2023-01-18. Review status: criteria provided, single submitter. Criteria: Ambry Variant Classification Scheme 2023. Collection method: clinical testing. Allele origin: germline.

Labcorp Genetics (formerly Invitae), Labcorp
Classification: Uncertain significance for Joubert syndrome; Meckel-Gruber syndrome. Last evaluated: 2022-03-11. Review status: criteria provided, single submitter. Criteria: Invitae Variant Classification Sherloc (09022015). Collection method: clinical testing. Allele origin: germline.
Comment: This sequence change replaces methionine, which is neutral and non-polar, with leucine, which is neutral and non-polar, at codon 100 of the CC2D2A protein (p.Met100Leu). This variant is present in population databases (rs370014549, gnomAD 0.01%). This variant has not been reported in the literature in individuals affected with CC2D2A-related conditions. ClinVar contains an entry for this variant (Variation ID: 1061071). Advanced modeling of protein sequence and biophysical properties (such as structural, functional, and spatial information, amino acid conservation, physicochemical variation, residue mobility, and thermodynamic stability) performed at Invitae indicates that this missense variant is not expected to disrupt CC2D2A protein function. In summary, the available evidence is currently insufficient to determine the role of this variant in disease. Therefore, it has been classified as a Variant of Uncertain Significance.